The following is an entry in ClinVar:

NM_001267550.2(TTN):c.4034G>A (p.Gly1345Asp)

Genes: TTN (titin; minus strand), LOC101927055 (uncharacterized LOC101927055; plus strand). Cytogenetic location: 2q31.2.
Variant type: single nucleotide variant.
Coding change: c.4034G>A on transcript NM_001267550.2 (MANE Select); coding-DNA position 4034, G replaced by A.
Protein change: p.Gly1345Asp; replaces glycine 1345 with aspartic acid.
Molecular consequence: missense variant.
Genome position (GRCh38, 1-based): chr2:178,779,048, C>T on the plus strand (G>A on the coding strand, the complement: TTN is on the minus strand). VCF-style: chr2-178779048-C-T. GRCh37 (hg19) VCF-style: chr2-179643775-C-T.
Other names: p.G1345D:GGC>GAC; c.4034G>A, p.Gly1345Asp (NM_001256850.1, NM_133378.4, NM_133379.5); c.3896G>A, p.Gly1299Asp (NM_003319.4, NM_133432.3, NM_133437.4); c.4034G>A (NM_001267550.1); short protein forms G1345D, G1299D.
Identifiers: ClinVar variation 47018 (VCV000047018.77), dbSNP rs36021856, ClinGen allele CA283320.
Genomic context (GRCh38, chr2:178,779,048, plus strand): 5'-AATGCAGTGTAGATTCCTTCATCTTCTGGAAGAACAACAGGTATACGCAGACTAGCTCTG[C>T]CATCTTGTAGAAAGTCCATTTGGTATCTTTCTCCATGTTTGATGCGCTTGCCATCTTTGT-3'
Protein context (NP_001254479.2, residues 1335-1355): ERYQMDFLQD[Gly1345Asp]RASLRIPVVL

ClinVar aggregate classification (germline): Conflicting classifications of pathogenicity. Review status: criteria provided, conflicting classifications (1 of 4 stars). 25 submissions from 21 submitters: Uncertain significance (1); Benign (15); Likely benign (4). 5 of the submissions do not count toward it. Last evaluated 2026-09-01.

Conditions:
Cardiovascular phenotype. Identifiers: MedGen CN230736.
Autosomal recessive limb-girdle muscular dystrophy type 2J (LGMDR10). Also called: MUSCULAR DYSTROPHY, LIMB-GIRDLE, AUTOSOMAL RECESSIVE 10; Limb-girdle muscular dystrophy, type 2J. Identifiers: Orphanet 140922, MedGen C1837342, MONDO:0012127, OMIM 608807.
Dilated cardiomyopathy 1G (CMD1G). Identifiers: Orphanet 154, MedGen C1858763, MONDO:0011400, OMIM 604145.
Cardiomyopathy (CMYO). Also called: Cardiomyopathies. Identifiers: Orphanet 167848, MedGen C0878544, MONDO:0004994, HP:0001638. Inheritance: Various modes of inheritance.
Early-onset myopathy with fatal cardiomyopathy (CMYO5). Also called: CONGENITAL MYOPATHY 5 WITH CARDIOMYOPATHY; Salih Myopathy. Identifiers: Orphanet 289377, MedGen C2673677, MONDO:0012714, OMIM 611705. Disease mechanism: loss of function.
Myopathy, myofibrillar, 9, with early respiratory failure (MFM9). Also called: Myopathy, distal, with early respiratory failure, autosomal dominant; Hereditary myopathy with early respiratory failure; EDSTROM MYOPATHY; MYOPATHY, PROXIMAL, WITH EARLY RESPIRATORY MUSCLE INVOLVEMENT. Identifiers: Orphanet 178464, Orphanet 34521, MedGen C1863599, MONDO:0011362, OMIM 603689.
Tibial muscular dystrophy (TMD). Also called: Tibial muscular dystrophy, tardive; Udd Distal Myopathy – Tibial Muscular Dystrophy; UDD MYOPATHY. Identifiers: Orphanet 609, MedGen C1838244, MONDO:0010870, OMIM 600334.

Allele frequency attached by ClinVar (database versions not stated): 1000 Genomes Project 30x 0.00344; 1000 Genomes Project 0.00379; ESP Exome Variant Server 0.00507; gnomAD 0.01027 and 0.01079; TOPMed 0.00418; gnomAD exomes 0.01060 and 0.00809; ExAC 0.00993.
gnomAD v4.1: 13,377 of 1,613,984 alleles (0.83%); highest among the groups gnomAD compares: Non-Finnish European, 0.7%; 206 homozygotes.

Submissions 1 to 16 of 25:

CeGaT Center for Human Genetics Tuebingen
Classification: Likely benign. Last evaluated: 2026-09-01. Review status: criteria provided, single submitter. Criteria: CeGaT Center For Human Genetics Tuebingen Variant Classification Criteria Version 2. Collection method: clinical testing. Allele origin: germline. Affected: yes. Observed: 92 variant alleles.
Comment: TTN: BS2

Labcorp Genetics (formerly Invitae), Labcorp
Classification: Benign for Dilated cardiomyopathy 1G; Autosomal recessive limb-girdle muscular dystrophy type 2J. Last evaluated: 2026-02-04. Review status: criteria provided, single submitter. Criteria: Invitae Variant Classification Sherloc (09022015). Collection method: clinical testing. Allele origin: germline.

ARUP Laboratories, Molecular Genetics and Genomics, ARUP Laboratories
Classification: Benign. Last evaluated: 2025-04-14. Review status: criteria provided, single submitter. Criteria: ARUP Molecular Germline Variant Investigation Process 2024. Collection method: clinical testing. Allele origin: germline.

Molecular Diagnostic Laboratory for Inherited Cardiovascular Disease, Montreal Heart Institute
Classification: Benign. Last evaluated: 2025-04-09. Review status: criteria provided, single submitter. Criteria: ACMG Guidelines, 2015. Collection method: clinical testing. Allele origin: germline. Affected: no.

Blueprint Genetics
Classification: Likely benign. Last evaluated: 2024-11-26. Review status: criteria provided, single submitter. Criteria: ACMG Guidelines, 2015. Collection method: clinical testing. Allele origin: germline.

Mayo Clinic Laboratories, Mayo Clinic
Classification: Benign. Last evaluated: 2024-02-28. Review status: criteria provided, single submitter. Criteria: ACMG Guidelines, 2015. Collection method: clinical testing. Allele origin: germline. Observed: 25 variant alleles.

Athena Diagnostics
Classification: Benign. Last evaluated: 2023-12-08. Review status: criteria provided, single submitter. Criteria: Athena Diagnostics Criteria. Collection method: clinical testing. Allele origin: unknown.

Women's Health and Genetics/Laboratory Corporation of America, LabCorp
Classification: Benign. Last evaluated: 2019-10-30. Review status: criteria provided, single submitter. Criteria: LabCorp Variant Classification Summary - May 2015. Collection method: clinical testing. Allele origin: germline.
Comment: Variant summary: TTN c.4034G>A (p.Gly1345Asp) results in a non-conservative amino acid change located in the near Z-band region of the encoded protein sequence. Four of five in-silico tools predict a damaging effect of the variant on protein function. The variant allele was found at a frequency of 0.011 in 250424 control chromosomes in the gnomAD database, including 64 homozygotes. The observed variant frequency is approximately 17- fold the estimated maximal expected allele frequency for a pathogenic variant in TTN causing Cardiomyopathy phenotype (0.011 vs.0.00063), strongly suggesting that the variant is benign. c.4034G>A has been reported in the literature in individuals affected with Cardiomyopathy without strong evidence for causality (e.g. Pugh_2014, Haas_2015, Campuzano_2015). These reports do not provide unequivocal conclusions about association of the variant with Cardiomyopathy. To our knowledge, no experimental evidence demonstrating an impact on protein function has been reported. Four clinical diagnostic laboratories have submitted clinical-significance assessments for this variant to ClinVar after 2014 without evidence for independent evaluation. All laboratories cited the variant as benign/likely benign. Based on the evidence outlined above, the variant was classified as benign.

Illumina Laboratory Services, Illumina
Classification: Likely benign for Early-onset myopathy with fatal cardiomyopathy. Last evaluated: 2018-01-12. Review status: criteria provided, single submitter. Criteria: ICSL Variant Classification Criteria 13 December 2019. Collection method: clinical testing. Allele origin: germline.
Comment: This variant was observed in the ICSL laboratory as part of a predisposition screen in an ostensibly healthy population. It had not been previously curated by ICSL or reported in the Human Gene Mutation Database (HGMD: prior to June 1st, 2018), and was therefore a candidate for classification through an automated scoring system. Utilizing variant allele frequency, disease prevalence and penetrance estimates, and inheritance mode, an automated score was calculated to assess if this variant is too frequent to cause the disease. Based on the score and internal cut-off values, a variant classified as likely benign is not then subjected to further curation. The score for this variant resulted in a classification of likely benign for this disease.

Illumina Laboratory Services, Illumina
Classification: Benign for Tibial muscular dystrophy. Last evaluated: 2018-01-12. Review status: criteria provided, single submitter. Criteria: ICSL Variant Classification Criteria 13 December 2019. Collection method: clinical testing. Allele origin: germline.
Comment: This variant was observed in the ICSL laboratory as part of a predisposition screen in an ostensibly healthy population. It had not been previously curated by ICSL or reported in the Human Gene Mutation Database (HGMD: prior to June 1st, 2018), and was therefore a candidate for classification through an automated scoring system. Utilizing variant allele frequency, disease prevalence and penetrance estimates, and inheritance mode, an automated score was calculated to assess if this variant is too frequent to cause the disease. Based on the score and internal cut-off values, a variant classified as benign is not then subjected to further curation. The score for this variant resulted in a classification of benign for this disease.

Illumina Laboratory Services, Illumina
Classification: Uncertain significance for Autosomal recessive limb-girdle muscular dystrophy type 2J. Last evaluated: 2018-01-12. Review status: criteria provided, single submitter. Criteria: ICSL Variant Classification Criteria 13 December 2019. Collection method: clinical testing. Allele origin: germline.

Illumina Laboratory Services, Illumina
Classification: Benign for Myopathy, myofibrillar, 9, with early respiratory failure. Last evaluated: 2018-01-12. Review status: criteria provided, single submitter. Criteria: ICSL Variant Classification Criteria 13 December 2019. Collection method: clinical testing. Allele origin: germline.
Comment: the same text as in the submission from Illumina Laboratory Services, Illumina above.

Illumina Laboratory Services, Illumina
Classification: Likely benign for Dilated cardiomyopathy 1G. Last evaluated: 2018-01-12. Review status: criteria provided, single submitter. Criteria: ICSL Variant Classification Criteria 13 December 2019. Collection method: clinical testing. Allele origin: germline.
Comment: the same text as in the submission from Illumina Laboratory Services, Illumina above.

CHEO Genetics Diagnostic Laboratory, Children's Hospital of Eastern Ontario
Classification: Benign for Cardiomyopathy. Last evaluated: 2015-10-22. Review status: criteria provided, single submitter. Criteria: ACMG Guidelines, 2015. Collection method: clinical testing. Allele origin: germline. Study: Canadian Open Genetics Repository.

Laboratory for Molecular Medicine, Mass General Brigham Personalized Medicine
Classification: Benign. Last evaluated: 2015-05-18. Review status: criteria provided, single submitter. Criteria: LMM Criteria. Collection method: clinical testing. Allele origin: germline. Observed: 22 variant alleles.
Comment: p.Gly1345Asp in exon 24 of TTN: This variant is not expected to have clinical si gnificance because it has been identified in 7.6% (503/6570) of Finnish chromoso mes including 27 homozygous individuals by the Exome Aggregation Consortium (ExA C; dbSNP rs36021856).

Eurofins Ntd Llc (ga)
Classification: Benign. Last evaluated: 2014-11-23. Review status: criteria provided, single submitter. Criteria: EGL Classification Definitions 2015. Collection method: clinical testing. Allele origin: germline. Observed: 2 variant alleles, 1 heterozygote, 1 homozygote.